The following is an entry in ClinVar:

NM_001267550.2(TTN):c.73508del (p.Asn24503fs)

Genes: TTN (titin; minus strand), TTN-AS1 (TTN antisense RNA 1; plus strand). Cytogenetic location: 2q31.2.
Variant type: Deletion.
Coding change: c.73508del on transcript NM_001267550.2 (MANE Select); coding-DNA position 73508, one base deleted (A; older notation c.73508delA).
Protein change: p.Asn24503fs; shifts the reading frame from asparagine 24503.
Molecular consequence: frameshift variant.
Genome position (GRCh38, 1-based): chr2:178,572,624, T deleted on the plus strand (A on the coding strand, the reverse complement: TTN is on the minus strand); the first of 4 consecutive T bases (chr2:178,572,624-178,572,627); deleting any one gives the same sequence. VCF-style (leftmost placement, unchanged base first): chr2-178572623-AT-A. GRCh37 (hg19) VCF-style: chr2-179437350-AT-A.
Other names: c.68585del, p.Asn22862fs (NM_001256850.1); c.46313del, p.Asn15438fs (NM_003319.4); c.65804del, p.Asn21935fs (NM_133378.4); c.46688del, p.Asn15563fs (NM_133432.3); c.46889del, p.Asn15630fs (NM_133437.4); short protein forms N15438fs, N15563fs, N21935fs, N24503fs, N15630fs, N22862fs.
Identifiers: ClinVar variation 263529 (VCV000263529.8), dbSNP rs886038839, ClinGen allele CA10587478.

ClinVar aggregate classification (germline): Likely pathogenic. Review status: criteria provided, multiple submitters, no conflicts (2 of 4 stars). 2 submissions from 2 submitters: Likely pathogenic (2). Last evaluated 2022-05-25.

Conditions:
Dilated cardiomyopathy 1G (CMD1G). Identifiers: Orphanet 154, MedGen C1858763, MONDO:0011400, OMIM 604145.
Autosomal recessive limb-girdle muscular dystrophy type 2J (LGMDR10). Also called: Limb-girdle muscular dystrophy, type 2J; MUSCULAR DYSTROPHY, LIMB-GIRDLE, AUTOSOMAL RECESSIVE 10. Identifiers: Orphanet 140922, MedGen C1837342, MONDO:0012127, OMIM 608807.
Cardiovascular phenotype. Identifiers: MedGen CN230736.

Submissions (2):

Labcorp Genetics (formerly Invitae), Labcorp
Classification: Likely pathogenic for Dilated cardiomyopathy 1G; Autosomal recessive limb-girdle muscular dystrophy type 2J. Last evaluated: 2022-05-25. Review status: criteria provided, single submitter. Criteria: Invitae Variant Classification Sherloc (09022015). Collection method: clinical testing. Allele origin: germline.
Comment: In summary, the currently available evidence indicates that the variant is pathogenic, but additional data are needed to prove that conclusively. Therefore, this variant has been classified as Likely Pathogenic. This variant is located in the A band of TTN (PMID: 25589632). Truncating variants in this region are significantly overrepresented in patients affected with dilated cardiomyopathy (PMID: 25589632). Truncating variants in this region have also been reported in individuals affected with autosomal recessive centronuclear myopathy (PMID: 23975875). ClinVar contains an entry for this variant (Variation ID: 263529). This premature translational stop signal has been observed in individual(s) with dilated cardiomyopathy (Invitae). This variant is not present in population databases (gnomAD no frequency). This sequence change creates a premature translational stop signal (p.Asn24503Ilefs*24) in the TTN gene. While this is not anticipated to result in nonsense mediated decay, it is expected to create a truncated TTN protein.

Ambry Genetics
Classification: Likely pathogenic for Cardiovascular phenotype. Last evaluated: 2013-03-14. Review status: criteria provided, single submitter. Criteria: Ambry Autosomal Dominant and X-Linked criteria (10/2015). Collection method: clinical testing. Allele origin: germline. Observed: 1 variant allele.

Literature cited by the submitters: PubMed 25589632 (cited by Labcorp Genetics (formerly Invitae), Labcorp); PubMed 23975875 (cited by Labcorp Genetics (formerly Invitae), Labcorp).